The following is an entry in ClinVar:

NM_152564.5(VPS13B):c.1869A>G (p.Ile623Met)

Gene: VPS13B (vacuolar protein sorting 13 homolog B; plus strand). Cytogenetic location: 8q22.2.
Variant type: single nucleotide variant.
Coding change: c.1869A>G on transcript NM_152564.5 (MANE Select); coding-DNA position 1869, A replaced by G.
Protein change: p.Ile623Met; replaces isoleucine 623 with methionine.
Molecular consequence: missense variant.
Genome position (GRCh38, 1-based): chr8:99,147,866, A>G. VCF-style: chr8-99147866-A-G. GRCh37 (hg19) VCF-style: chr8-100160094-A-G.
Other names: c.1869A>G, p.Ile623Met (NM_015243.3, NM_017890.5); short protein forms I623M.
Identifiers: ClinVar variation 1486984 (VCV001486984.6), dbSNP rs1432601796, ClinGen allele CA371864283.
Genomic context (GRCh38, chr8:99,147,866, plus strand): 5'-TATTCTTTATTAATTTTTTATCATTTTAATTTTAGATATTAAGGATGAAAATGAAACAAT[A>G]CTGAATCCTGAAGAGGTGGCTCTTCTGGAGGAATATATTCCTACTCGACATACAAGTGTT-3'
Protein context (NP_689777.3, residues 613-633): KSDIKDENET[Ile623Met]LNPEEVALLE

ClinVar aggregate classification (germline): Uncertain significance (1 of 4 stars; one submission).

Conditions:
Cohen syndrome (COH1). Also called: PEPPER SYNDROME; Cutis verticis gyrata, retinitis pigmentosa, and sensorineural deafness. Identifiers: Orphanet 193, MedGen C0265223, MONDO:0008999, OMIM 216550.

Submission:

Labcorp Genetics (formerly Invitae), Labcorp
Classification: Uncertain significance for Cohen syndrome. Last evaluated: 2021-11-05. Review status: criteria provided, single submitter. Criteria: Invitae Variant Classification Sherloc (09022015). Collection method: clinical testing. Allele origin: germline.
Comment: Algorithms developed to predict the effect of missense changes on protein structure and function output the following: SIFT: "Not Available"; PolyPhen-2: "Benign"; Align-GVGD: "Not Available". The methionine amino acid residue is found in multiple mammalian species, which suggests that this missense change does not adversely affect protein function. This variant has not been reported in the literature in individuals affected with VPS13B-related conditions. This variant is not present in population databases (gnomAD no frequency). This sequence change replaces isoleucine, which is neutral and non-polar, with methionine, which is neutral and non-polar, at codon 623 of the VPS13B protein (p.Ile623Met). In summary, the available evidence is currently insufficient to determine the role of this variant in disease. Therefore, it has been classified as a Variant of Uncertain Significance.